The following is an entry in ClinVar:

NM_002524.5(NRAS):c.290+7G>A

Gene: NRAS (NRAS proto-oncogene, GTPase; minus strand). Cytogenetic location: 1p13.2.
Variant type: single nucleotide variant.
Coding change: c.290+7G>A on transcript NM_002524.5 (MANE Select); 7 bases into the intron after coding-DNA position 290, G replaced by A.
Molecular consequence: intron variant.
Genome position (GRCh38, 1-based): chr1:114,713,793, C>T on the plus strand (G>A on the coding strand, the complement: NRAS is on the minus strand). VCF-style: chr1-114713793-C-T. GRCh37 (hg19) VCF-style: chr1-115256414-C-T.
Other names: p.?; c.290+7G>A (LRG_92t1).
Identifiers: ClinVar variation 417020 (VCV000417020.38), dbSNP rs375788140, ClinGen allele CA1020743.

ClinVar aggregate classification (germline): Likely benign. Review status: criteria provided, multiple submitters, no conflicts (2 of 4 stars). 6 submissions from 6 submitters: Likely benign (5). 1 of the submissions does not count toward it. Last evaluated 2026-01-19.

Conditions:
NRAS-related disorder. Also called: NRAS-related condition.
RASopathy. Also called: Noonan spectrum disorder; rasopathies. Identifiers: Orphanet 536391, MedGen C5555857, MONDO:0021060.

Allele frequency attached by ClinVar (database versions not stated): gnomAD exomes 0.00002 and 0.00007; ExAC 0.00007; ESP Exome Variant Server 0.00015; 1000 Genomes Project 30x 0.00016; 1000 Genomes Project 0.00020; TOPMed 0.00024; gnomAD 0.00037 and 0.00042.
gnomAD v4.1: 85 of 1,609,392 alleles (0.0053%); highest among the groups gnomAD compares: African/African-American, 0.1%; 1 homozygote.

Submissions (6):

Labcorp Genetics (formerly Invitae), Labcorp
Classification: Likely benign for RASopathy. Last evaluated: 2026-01-19. Review status: criteria provided, single submitter. Criteria: Invitae Variant Classification Sherloc (09022015). Collection method: clinical testing. Allele origin: germline.

CeGaT Center for Human Genetics Tuebingen
Classification: Likely benign. Last evaluated: 2025-03-01. Review status: criteria provided, single submitter. Criteria: CeGaT Center For Human Genetics Tuebingen Variant Classification Criteria Version 2. Collection method: clinical testing. Allele origin: germline. Affected: yes. Observed: 2 variant alleles.
Comment: NRAS: BP4, BS1

Mayo Clinic Laboratories, Mayo Clinic
Classification: Likely benign. Last evaluated: 2025-01-14. Review status: criteria provided, single submitter. Criteria: ACMG Guidelines, 2015. Collection method: clinical testing. Allele origin: germline. Observed: 1 variant allele.
Comment: BS1, BP4, BP7

Blueprint Genetics
Classification: Likely benign. Last evaluated: 2022-08-09. Review status: criteria provided, single submitter. Criteria: ACMG Guidelines, 2015. Collection method: clinical testing. Allele origin: germline.

GeneDx
Classification: Likely benign. Last evaluated: 2018-02-19. Review status: criteria provided, single submitter. Criteria: GeneDx Variant Classification (06012015). Collection method: clinical testing. Allele origin: germline. Affected: yes.
Comment: This variant is considered likely benign or benign based on one or more of the following criteria: it is a conservative change, it occurs at a poorly conserved position in the protein, it is predicted to be benign by multiple in silico algorithms, and/or has population frequency not consistent with disease.

PreventionGenetics, part of Exact Sciences
Classification: Likely benign for NRAS-related condition. Last evaluated: 2019-10-01. Review status: no assertion criteria provided. Collection method: clinical testing. Allele origin: germline. Not counted in ClinVar's aggregate classification.
Comment: This variant is classified as likely benign based on ACMG/AMP sequence variant interpretation guidelines (Richards et al. 2015 PMID: 25741868, with internal and published modifications).